The following is an entry in ClinVar:

NM_032043.3(BRIP1):c.643_644insGTGGCACCCC (p.Ser215fs)

Gene: BRIP1 (BRCA1 interacting DNA helicase 1; minus strand). Cytogenetic location: 17q23.2.
Variant type: Insertion.
Coding change: c.643_644insGTGGCACCCC on transcript NM_032043.3 (MANE Select); coding-DNA positions 643 to 644, GTGGCACCCC inserted.
Protein change: p.Ser215fs; shifts the reading frame from serine 215.
Molecular consequence: frameshift variant.
Genome position: GRCh38 VCF-style: chr17-61808741-G-GGGGGTGCCAC. GRCh37 (hg19) VCF-style: chr17-59886102-G-GGGGGTGCCAC.
Other names: short protein forms S215fs.
Identifiers: ClinVar variation 2121737 (VCV002121737.6), dbSNP rs2545200773, ClinGen allele CA2580094711.
Genomic context (GRCh38, chr17:61,808,741, plus strand): 5'-TTCTTAATGGTATTCGATGACTCTTGACTGTTTCCTTGTTTAGTAGAACAACAGCACCTA[G>GGGGGTGCCAC]AACAGTGGCCAGGGGGCTGTAAGAAAGGAAAGAAACGATAACTAATATCTAAACTACCAT-3'

ClinVar aggregate classification (germline): Pathogenic. Review status: criteria provided, multiple submitters, no conflicts (2 of 4 stars). 2 submissions from 2 submitters: Pathogenic (2). Last evaluated 2024-03-20.

Conditions:
Fanconi anemia complementation group J. Also called: BRIP1-Related Fanconi Anemia. Identifiers: Orphanet 84, MedGen C1836860, MONDO:0012187, OMIM 609054.
Familial cancer of breast. Also called: BREAST CANCER, FAMILIAL; hereditary breast carcinoma; Hereditary breast cancer. Identifiers: Orphanet 227535, MedGen C0346153, MONDO:0016419, OMIM 114480. Disease mechanism: loss of function.

Submissions (2):

Labcorp Genetics (formerly Invitae), Labcorp
Classification: Pathogenic for Familial cancer of breast; Fanconi anemia complementation group J. Last evaluated: 2024-03-20. Review status: criteria provided, single submitter. Criteria: Invitae Variant Classification Sherloc (09022015). Collection method: clinical testing. Allele origin: germline.
Comment: This sequence change creates a premature translational stop signal (p.Ser215Cysfs*5) in the BRIP1 gene. It is expected to result in an absent or disrupted protein product. Loss-of-function variants in BRIP1 are known to be pathogenic (PMID: 16116423, 17033622, 21964575). This variant is not present in population databases (gnomAD no frequency). This variant has not been reported in the literature in individuals affected with BRIP1-related conditions. ClinVar contains an entry for this variant (Variation ID: 2121737). For these reasons, this variant has been classified as Pathogenic.

Myriad Genetics, Inc.
Classification: Pathogenic for Familial cancer of breast. Last evaluated: 2023-05-31. Review status: criteria provided, single submitter. Criteria: Myriad Autosomal Dominant, Autosomal Recessive and X-Linked Classification Criteria (2023). Collection method: clinical testing. Allele origin: unknown.
Comment: This variant is considered pathogenic. This variant creates a frameshift predicted to result in premature protein truncation.

Literature cited by the submitters: PubMed 16116423 (cited by Labcorp Genetics (formerly Invitae), Labcorp); PubMed 17033622 (cited by Labcorp Genetics (formerly Invitae), Labcorp); PubMed 21964575 (cited by Labcorp Genetics (formerly Invitae), Labcorp).